The following is an entry in ClinVar:

NM_206926.2(SELENON):c.614G>A (p.Arg205His)

Gene: SELENON (selenoprotein N; plus strand). Cytogenetic location: 1p36.11.
Variant type: single nucleotide variant.
Coding change: c.614G>A on transcript NM_206926.2 (MANE Select); coding-DNA position 614, G replaced by A.
Protein change: p.Arg205His; replaces arginine 205 with histidine.
Molecular consequence: missense variant.
Genome position (GRCh38, 1-based): chr1:25,808,758, G>A. VCF-style: chr1-25808758-G-A. GRCh37 (hg19) VCF-style: chr1-26135249-G-A.
Other names: p.Arg239His; c.716G>A, p.Arg239His (NM_020451.3); short protein forms R239H, R205H.
Identifiers: ClinVar variation 162603 (VCV000162603.24), dbSNP rs199709671, ClinGen allele CA295450.

ClinVar aggregate classification (germline): Conflicting classifications of pathogenicity. Review status: criteria provided, conflicting classifications (1 of 4 stars). 6 submissions from 6 submitters: Uncertain significance (5); Likely benign (1). Last evaluated 2025-08-11.

Conditions:
Inborn genetic diseases. Identifiers: MedGen C0950123, MeSH D030342.
Eichsfeld type congenital muscular dystrophy (CMYO3). Also called: MYOPATHY, SEPN1-RELATED; SELENON-related myopathy; Congenital myopathy 3 with rigid spine; Rigid spine muscular dystrophy 1. Identifiers: MedGen C0410180, MONDO:0100100, OMIM 602771.
SEPN1-related disorder. Also called: SEPN1-Related Disorders. Identifiers: MedGen CN239420.

Allele frequency attached by ClinVar (database versions not stated): gnomAD exomes 0.00014 and 0.00018; ESP Exome Variant Server 0.00016; TOPMed 0.00017; ExAC 0.00025; gnomAD 0.00027 and 0.00029.
gnomAD v4.1: 248 of 1,613,758 alleles (0.015%); highest among the groups gnomAD compares: Admixed American, 0.017%; no homozygotes.

Submissions (6):

Ambry Genetics
Classification: Uncertain significance for Inborn genetic diseases. Last evaluated: 2025-08-11. Review status: criteria provided, single submitter. Criteria: Ambry Variant Classification Scheme 2023. Collection method: clinical testing. Allele origin: germline.

Blueprint Genetics
Classification: Likely benign. Last evaluated: 2024-10-16. Review status: criteria provided, single submitter. Criteria: ACMG Guidelines, 2015. Collection method: clinical testing. Allele origin: germline.

Labcorp Genetics (formerly Invitae), Labcorp
Classification: Uncertain significance for Eichsfeld type congenital muscular dystrophy. Last evaluated: 2024-01-29. Review status: criteria provided, single submitter. Criteria: Invitae Variant Classification Sherloc (09022015). Collection method: clinical testing. Allele origin: germline.
Comment: This sequence change replaces arginine, which is basic and polar, with histidine, which is basic and polar, at codon 239 of the SELENON protein (p.Arg239His). This variant is present in population databases (rs199709671, gnomAD 0.05%). This variant has not been reported in the literature in individuals affected with SELENON-related conditions. ClinVar contains an entry for this variant (Variation ID: 162603). Advanced modeling of protein sequence and biophysical properties (such as structural, functional, and spatial information, amino acid conservation, physicochemical variation, residue mobility, and thermodynamic stability) has been performed at Invitae for this missense variant, however the output from this modeling did not meet the statistical confidence thresholds required to predict the impact of this variant on SELENON protein function. In summary, the available evidence is currently insufficient to determine the role of this variant in disease. Therefore, it has been classified as a Variant of Uncertain Significance.

Revvity Omics, Revvity
Classification: Uncertain significance for Eichsfeld type congenital muscular dystrophy. Last evaluated: 2024-01-18. Review status: criteria provided, single submitter. Criteria: ACMG Guidelines, 2015. Collection method: clinical testing. Allele origin: germline.

Mayo Clinic Laboratories, Mayo Clinic
Classification: Uncertain significance. Last evaluated: 2023-05-04. Review status: criteria provided, single submitter. Criteria: ACMG Guidelines, 2015. Collection method: clinical testing. Allele origin: germline. Observed: 1 variant allele.
Comment: PP3

Illumina Laboratory Services, Illumina
Classification: Uncertain significance for SEPN1-Related Disorders. Last evaluated: 2018-01-13. Review status: criteria provided, single submitter. Criteria: ICSL Variant Classification Criteria 13 December 2019. Collection method: clinical testing. Allele origin: germline.